The following is an entry in ClinVar:

NM_000352.6(ABCC8):c.4154C>T (p.Ser1385Phe)

Gene: ABCC8 (ATP binding cassette subfamily C member 8; minus strand). Cytogenetic location: 11p15.1.
Variant type: single nucleotide variant.
Coding change: c.4154C>T on transcript NM_000352.6 (MANE Select); coding-DNA position 4154, C replaced by T.
Protein change: p.Ser1385Phe; replaces serine 1385 with phenylalanine.
Molecular consequence: missense variant. On other transcripts: non-coding transcript variant (1).
Genome position (GRCh38, 1-based): chr11:17,395,896, G>A on the plus strand (C>T on the coding strand, the complement: ABCC8 is on the minus strand). VCF-style: chr11-17395896-G-A. GRCh37 (hg19) VCF-style: chr11-17417443-G-A.
Other names: c.4157C>T, p.Ser1386Phe (NM_001287174.3); c.4220C>T, p.Ser1407Phe (NM_001351295.2); c.4154C>T, p.Ser1385Phe (NM_001351296.2); c.4151C>T, p.Ser1384Phe (NM_001351297.2); short protein forms S1384F, S1385F, S1386F, S1407F.
Identifiers: ClinVar variation 4695088 (VCV004695088.1).

ClinVar aggregate classification (germline): Uncertain significance (1 of 4 stars; one submission).

Submission:

Labcorp Genetics (formerly Invitae), Labcorp
Classification: Uncertain significance. Last evaluated: 2025-11-19. Review status: criteria provided, single submitter. Criteria: Invitae Variant Classification Sherloc (09022015). Collection method: clinical testing. Allele origin: germline.
Comment: This sequence change replaces serine, which is neutral and polar, with phenylalanine, which is neutral and non-polar, at codon 1385 of the ABCC8 protein (p.Ser1385Phe). This variant is not present in population databases (gnomAD no frequency). This missense change has been observed in individual(s) with clinical features of ABCC8-related early onset diabetes (PMID: 31604004; internal data). This variant is also known as p.Ser1386Phe. Invitae Evidence Modeling of protein sequence and biophysical properties (such as structural, functional, and spatial information, amino acid conservation, physicochemical variation, residue mobility, and thermodynamic stability) indicates that this missense variant is expected to disrupt ABCC8 protein function with a positive predictive value of 95%. This variant disrupts the p.Ser1385 amino acid residue in ABCC8. Other variant(s) that disrupt this residue have been observed in individuals with ABCC8-related conditions (PMID: 17597441), which suggests that this may be a clinically significant amino acid residue. In summary, the available evidence is currently insufficient to determine the role of this variant in disease. Therefore, it has been classified as a Variant of Uncertain Significance.

Literature cited by the submitters: PubMed 31604004; PubMed 17597441.